The following is an entry in ClinVar:

NM_012179.4(FBXO7):c.464C>A (p.Ala155Glu)

Gene: FBXO7 (F-box protein 7; plus strand). Cytogenetic location: 22q12.3.
Variant type: single nucleotide variant.
Coding change: c.464C>A on transcript NM_012179.4 (MANE Select); coding-DNA position 464, C replaced by A.
Protein change: p.Ala155Glu; replaces alanine 155 with glutamic acid.
Molecular consequence: missense variant.
Genome position (GRCh38, 1-based): chr22:32,483,943, C>A. VCF-style: chr22-32483943-C-A. GRCh37 (hg19) VCF-style: chr22-32879930-C-A.
Other names: c.227C>A, p.Ala76Glu (NM_001033024.2); c.122C>A, p.Ala41Glu (NM_001257990.2); short protein forms A155E, A76E, A41E.
Identifiers: ClinVar variation 953199 (VCV000953199.7), dbSNP rs61730784, ClinGen allele CA411331507.

ClinVar aggregate classification (germline): Uncertain significance (1 of 4 stars; one submission).

Conditions:
Parkinsonian-pyramidal syndrome. Also called: PALLIDOPYRAMIDAL SYNDROME; PARKINSON DISEASE 15, AUTOSOMAL RECESSIVE EARLY-ONSET; PARKINSON DISEASE 15, AUTOSOMAL RECESSIVE. Identifiers: Orphanet 171695, MedGen C1850100, MONDO:0009830, OMIM 260300.

gnomAD v4.1: 20 of 1,614,090 alleles (0.0012%); highest among the groups gnomAD compares: Non-Finnish European, 0.0017%; no homozygotes.

Submission:

Labcorp Genetics (formerly Invitae), Labcorp
Classification: Uncertain significance for Parkinsonian-pyramidal syndrome. Last evaluated: 2021-08-20. Review status: criteria provided, single submitter. Criteria: Invitae Variant Classification Sherloc (09022015). Collection method: clinical testing. Allele origin: germline.
Comment: This sequence change replaces alanine with glutamic acid at codon 155 of the FBXO7 protein (p.Ala155Glu). The alanine residue is weakly conserved and there is a moderate physicochemical difference between alanine and glutamic acid. This variant is not present in population databases (ExAC no frequency). This variant has not been reported in the literature in individuals affected with FBXO7-related conditions. Algorithms developed to predict the effect of missense changes on protein structure and function output the following: SIFT: "Tolerated"; PolyPhen-2: "Benign"; Align-GVGD: "Class C0". The glutamic acid amino acid residue is found in multiple mammalian species, which suggests that this missense change does not adversely affect protein function. In summary, the available evidence is currently insufficient to determine the role of this variant in disease. Therefore, it has been classified as a Variant of Uncertain Significance.